The following is an entry in ClinVar:

NM_144670.6(A2ML1):c.4000G>C (p.Gly1334Arg)

Gene: A2ML1 (alpha-2-macroglobulin like 1; plus strand). Cytogenetic location: 12p13.31.
Variant type: single nucleotide variant.
Coding change: c.4000G>C on transcript NM_144670.6 (MANE Select); coding-DNA position 4000, G replaced by C.
Protein change: p.Gly1334Arg; replaces glycine 1334 with arginine.
Molecular consequence: missense variant.
Genome position (GRCh38, 1-based): chr12:8,868,296, G>C. VCF-style: chr12-8868296-G-C. GRCh37 (hg19) VCF-style: chr12-9020892-G-C.
Other names: c.2527G>C, p.Gly843Arg (NM_001282424.3); short protein forms G1334R, G843R.
Identifiers: ClinVar variation 444283 (VCV000444283.43), dbSNP rs1052149878, ClinGen allele CA232632616.

ClinVar aggregate classification (germline): Conflicting classifications of pathogenicity. Review status: criteria provided, conflicting classifications (1 of 4 stars). 2 submissions from 2 submitters: Uncertain significance (1); Likely benign (1). Last evaluated 2020-07-09.

Allele frequency attached by ClinVar (database versions not stated): TOPMed below 0.00001; gnomAD 0.00001; gnomAD exomes 0.00001.
gnomAD v4.1: 3 of 1,613,860 alleles (0.00019%); highest among the groups gnomAD compares: Non-Finnish European, 0.00025%; no homozygotes.

Submissions (2):

Department of Human Genetics, University Hospital Magdeburg
Classification: Likely benign. Last evaluated: 2020-07-09. Review status: criteria provided, single submitter. Criteria: ACMG Guidelines, 2015. Collection method: clinical testing. Allele origin: paternal. Inheritance: Autosomal dominant inheritance. Observed: 1 variant allele.
Comment: For this variant in-silico prediction yielded a consistent neutral prediction on the gene function (PB4).

CeGaT Center for Human Genetics Tuebingen
Classification: Uncertain significance. Last evaluated: 2017-06-01. Review status: criteria provided, single submitter. Criteria: CeGaT Center For Human Genetics Tuebingen Variant Classification Criteria Version 2. Collection method: clinical testing. Allele origin: germline. Affected: yes. Observed: 1 variant allele.